The following is an entry in ClinVar:

ClinVar aggregate classification (germline): Uncertain significance (1 of 4 stars; one submission).

Submission:

Labcorp Genetics (formerly Invitae), Labcorp
Classification: Uncertain significance. Last evaluated: 2025-03-17. Review status: criteria provided, single submitter. Criteria: Invitae Variant Classification Sherloc (09022015). Collection method: clinical testing. Allele origin: germline.
Comment: This sequence change replaces histidine, which is basic and polar, with leucine, which is neutral and non-polar, at codon 1298 of the DMXL2 protein (p.His1298Leu). This variant is not present in population databases (gnomAD no frequency). This variant has not been reported in the literature in individuals affected with DMXL2-related conditions. ClinVar contains an entry for this variant (Variation ID: 1498651). An algorithm developed to predict the effect of missense changes on protein structure and function (PolyPhen-2) suggests that this variant is likely to be tolerated. In summary, the available evidence is currently insufficient to determine the role of this variant in disease. Therefore, it has been classified as a Variant of Uncertain Significance.

NM_001378457.1(DMXL2):c.3893A>T (p.His1298Leu)

Gene: DMXL2 (Dmx like 2; minus strand). Cytogenetic location: 15q21.2.
Variant type: single nucleotide variant.
Coding change: c.3893A>T on transcript NM_001378457.1 (MANE Select); coding-DNA position 3893, A replaced by T.
Protein change: p.His1298Leu; replaces histidine 1298 with leucine.
Molecular consequence: missense variant. On other transcripts: non-coding transcript variant (2), intron variant (2).
Genome position (GRCh38, 1-based): chr15:51,499,331, T>A on the plus strand (A>T on the coding strand, the complement: DMXL2 is on the minus strand). VCF-style: chr15-51499331-T-A. GRCh37 (hg19) VCF-style: chr15-51791528-T-A.
Other names: c.2765-7584A>T (NM_001378460.1); c.2765-4197A>T (NM_001174117.3); c.3893A>T, p.His1298Leu (NM_001174116.3, NM_001378458.1, NM_001378459.1 and 4 more transcripts); c.3653A>T, p.His1218Leu (NM_001378464.1); short protein forms H1218L, H1298L.
Identifiers: ClinVar variation 1498651 (VCV001498651.6), dbSNP rs2140487294, ClinGen allele CA392433704.
Genomic context (GRCh38, chr15:51,499,331, plus strand): 5'-GAAATAGCTGTTCCTTCAACAACACTTTTTCTTGCCAGCATATTAGATTTAAAGGTCGAA[T>A]GATCTTGCATTGCTGCCTCTTCTGCATTAGAACTATCAGCTTCAGTGTCTCCAAATTTGA-3'
Protein context (NP_001365386.1, residues 1288-1308): SNAEEAAMQD[His1298Leu]STFKSNMLAR